The following is an entry in ClinVar:

ClinVar aggregate classification (germline): VUS-low (1 of 4 stars; one submission).

Conditions:
Autosomal recessive nonsyndromic hearing loss 1A (DFNB1A). Also called: Connexin 26 deafness; Deafness nonsyndromic, Connexin 26 linked; GJB6-Related DFNB 1 Nonsyndromic Hearing Loss and Deafness; Deafness, autosomal recessive 1A; Nonsyndromic Hearing Loss and Deafness, DFNB1; GJB2-Related Autosomal Recessive Nonsyndromic Hearing Loss. Identifiers: Orphanet 90636, MedGen C2673759, MONDO:0009076, OMIM 220290.

Submission:

Department of Otorhinolaryngology, Head and Neck Surgery, Xinhua Hospital, Shanghai Jiao Tong University School of Medicine
Classification: VUS-low for Autosomal recessive nonsyndromic hearing loss 1A. Last evaluated: 2026-06-07. Review status: criteria provided, single submitter. Criteria: ACMG Guidelines, 2015. Collection method: clinical testing. Allele origin: germline. Affected: yes.
Comment: PM2

NM_004004.6(GJB2):c.586A>G (p.Ile196Val)

Gene: GJB2 (gap junction protein beta 2; minus strand). Cytogenetic location: 13q12.11.
Variant type: single nucleotide variant.
Coding change: c.586A>G on transcript NM_004004.6 (MANE Select); coding-DNA position 586, A replaced by G.
Protein change: p.Ile196Val; replaces isoleucine 196 with valine.
Molecular consequence: missense variant.
Genome position (GRCh38, 1-based): chr13:20,188,996, T>C on the plus strand (A>G on the coding strand, the complement: GJB2 is on the minus strand). VCF-style: chr13-20188996-T-C. GRCh37 (hg19) VCF-style: chr13-20763135-T-C.
Other names: short protein forms I196V.
Identifiers: ClinVar variation 4856982 (VCV004856982.1).